The following is an entry in ClinVar:

ClinVar aggregate classification (germline): Uncertain significance (1 of 4 stars; one submission).

gnomAD v4.1: 1 of 1,613,424 alleles (0.000062%); no homozygotes.

Submission:

Labcorp Genetics (formerly Invitae), Labcorp
Classification: Uncertain significance. Last evaluated: 2021-12-08. Review status: criteria provided, single submitter. Criteria: Invitae Variant Classification Sherloc (09022015). Collection method: clinical testing. Allele origin: germline.
Comment: This sequence change replaces lysine, which is basic and polar, with arginine, which is basic and polar, at codon 183 of the COL11A1 protein (p.Lys183Arg). In summary, the available evidence is currently insufficient to determine the role of this variant in disease. Therefore, it has been classified as a Variant of Uncertain Significance. Algorithms developed to predict the effect of sequence changes on RNA splicing suggest that this variant may create or strengthen a splice site. Advanced modeling of protein sequence and biophysical properties (such as structural, functional, and spatial information, amino acid conservation, physicochemical variation, residue mobility, and thermodynamic stability) performed at Invitae indicates that this missense variant is not expected to disrupt COL11A1 protein function. This variant has not been reported in the literature in individuals affected with COL11A1-related conditions. This variant is not present in population databases (gnomAD no frequency).

NM_001854.4(COL11A1):c.548A>G (p.Lys183Arg)

Gene: COL11A1 (collagen type XI alpha 1 chain; minus strand). Cytogenetic location: 1p21.1.
Variant type: single nucleotide variant.
Coding change: c.548A>G on transcript NM_001854.4 (MANE Select); coding-DNA position 548, A replaced by G.
Protein change: p.Lys183Arg; replaces lysine 183 with arginine.
Molecular consequence: missense variant. On other transcripts: non-coding transcript variant (1).
Genome position (GRCh38, 1-based): chr1:103,074,721, T>C on the plus strand (A>G on the coding strand, the complement: COL11A1 is on the minus strand). VCF-style: chr1-103074721-T-C. GRCh37 (hg19) VCF-style: chr1-103540277-T-C.
Other names: c.548A>G, p.Lys183Arg (NM_001190709.2, NM_080629.3, NM_080630.4); short protein forms K183R.
Identifiers: ClinVar variation 1371059 (VCV001371059.6), dbSNP rs1671839259, ClinGen allele CA341166413.